The following is an entry in ClinVar:

ClinVar aggregate classification (germline): Uncertain significance. Review status: criteria provided, multiple submitters, no conflicts (2 of 4 stars). 2 submissions from 2 submitters: Uncertain significance (2). Last evaluated 2025-09-26.

Conditions:
Inborn genetic diseases. Identifiers: MedGen C0950123, MeSH D030342.
Glutamate formiminotransferase deficiency. Also called: Arakawa syndrome 1; Formiminoglutamic aciduria. Identifiers: Orphanet 51208, MedGen C0268609, MONDO:0009240, OMIM 229100.

Allele frequency attached by ClinVar (database versions not stated): ExAC 0.00006; 1000 Genomes Project 0.00020; 1000 Genomes Project 30x 0.00031; gnomAD exomes 0.00001 and 0.00002; TOPMed 0.00002.
gnomAD v4.1: 16 of 1,550,822 alleles (0.001%); highest among the groups gnomAD compares: Admixed American, 0.012%; no homozygotes.

Submissions (2):

Ambry Genetics
Classification: Uncertain significance for Inborn genetic diseases. Last evaluated: 2025-09-26. Review status: criteria provided, single submitter. Criteria: Ambry Variant Classification Scheme 2023. Collection method: clinical testing. Allele origin: germline.

Labcorp Genetics (formerly Invitae), Labcorp
Classification: Uncertain significance for Glutamate formiminotransferase deficiency. Last evaluated: 2021-10-29. Review status: criteria provided, single submitter. Criteria: Invitae Variant Classification Sherloc (09022015). Collection method: clinical testing. Allele origin: germline.
Comment: This sequence change replaces threonine, which is neutral and polar, with arginine, which is basic and polar, at codon 389 of the FTCD protein (p.Thr389Arg). In summary, the available evidence is currently insufficient to determine the role of this variant in disease. Therefore, it has been classified as a Variant of Uncertain Significance. Algorithms developed to predict the effect of sequence changes on RNA splicing suggest that this variant may create or strengthen a splice site. Algorithms developed to predict the effect of missense changes on protein structure and function (SIFT, PolyPhen-2, Align-GVGD) all suggest that this variant is likely to be tolerated. ClinVar contains an entry for this variant (Variation ID: 340424). This variant has not been reported in the literature in individuals affected with FTCD-related conditions. This variant is present in population databases (rs545214029, gnomAD 0.008%).

NM_206965.2(FTCD):c.1166C>G (p.Thr389Arg)

Gene: FTCD (formimidoyltransferase cyclodeaminase; minus strand). Cytogenetic location: 21q22.3.
Variant type: single nucleotide variant.
Coding change: c.1166C>G on transcript NM_206965.2 (MANE Select); coding-DNA position 1166, C replaced by G.
Protein change: p.Thr389Arg; replaces threonine 389 with arginine.
Molecular consequence: missense variant.
Genome position (GRCh38, 1-based): chr21:46,145,511, G>C on the plus strand (C>G on the coding strand, the complement: FTCD is on the minus strand). VCF-style: chr21-46145511-G-C. GRCh37 (hg19) VCF-style: chr21-47565425-G-C.
Other names: c.1166C>G, p.Thr389Arg (NM_001320412.2, NM_006657.3); short protein forms T389R.
Identifiers: ClinVar variation 340424 (VCV000340424.9), dbSNP rs545214029, ClinGen allele CA10073605.